The following is an entry in ClinVar:

NM_024426.6(WT1):c.784G>C (p.Gly262Arg)

Gene: WT1 (WT1 transcription factor; minus strand). Cytogenetic location: 11p13.
Variant type: single nucleotide variant.
Coding change: c.784G>C on transcript NM_024426.6 (MANE Select); coding-DNA position 784, G replaced by C.
Protein change: p.Gly262Arg; replaces glycine 262 with arginine.
Molecular consequence: missense variant. On other transcripts: non-coding transcript variant (2), intron variant (2).
Genome position (GRCh38, 1-based): chr11:32,428,497, C>G on the plus strand (G>C on the coding strand, the complement: WT1 is on the minus strand). VCF-style: chr11-32428497-C-G. GRCh37 (hg19) VCF-style: chr11-32450043-C-G.
Other names: c.784G>C, p.Gly262Arg (NM_000378.6, NM_001407044.1, NM_001407045.1 and 4 more transcripts); c.133G>C, p.Gly45Arg (NM_001198551.2, NM_001198552.2); c.22G>C, p.Gly8Arg (NM_001407051.1); c.565G>C, p.Gly189Arg (NM_001429031.1, NM_001429032.1, NM_001429033.1 and 1 more transcripts); c.662-439G>C (NM_001407050.1, NM_001407047.1); c.769G>C (NM_024426.4); short protein forms G189R, G257R, G262R, G45R, G8R.
Identifiers: ClinVar variation 3761937 (VCV003761937.3).
Genomic context (GRCh38, chr11:32,428,497, plus strand): 5'-GGGAGAGGAGGATAGCACGGAAGAAGGGGAGAAGGACTCCACTTGGTTCCGCTCGCTTAC[C>G]CAGCGAGCCCTGCTGGCCCATGGGATCCTCATGCTTGAATGAGTGGTTGGGGAACTGCGC-3'
Protein context (NP_077744.4, residues 252-272): EDPMGQQGSL[Gly262Arg]EQQYSVPPPV

ClinVar aggregate classification (germline): Uncertain significance. Review status: criteria provided, multiple submitters, no conflicts (2 of 4 stars). 2 submissions from 2 submitters: Uncertain significance (2). Last evaluated 2026-04-24.

Conditions:
Wilms tumor 1 (WT1). Also called: Wilms tumor, somatic. Identifiers: Orphanet 654, MedGen CN033288, MONDO:0008679, OMIM 194070.
11p partial monosomy syndrome (WAGR). Also called: WAGR Spectrum Disorder; CHROMOSOME 11p13 DELETION SYNDROME; WAGR syndrome; WAGR Complex. Identifiers: Orphanet 893, MedGen C0206115, MONDO:0008681, OMIM 194072.
Frasier syndrome. Identifiers: Orphanet 347, MedGen C0950122, MeSH D052159, MONDO:0007635, OMIM 136680.
Drash syndrome (DDS). Also called: NEPHROPATHY, WILMS TUMOR, AND GENITAL ANOMALIES; WILMS TUMOR AND PSEUDO- OR TRUE HERMAPHRODITISM. Identifiers: Orphanet 220, MedGen C0950121, MONDO:0008682, OMIM 194080.
Inborn genetic diseases. Identifiers: MedGen C0950123, MeSH D030342.

Submissions (2):

Ambry Genetics
Classification: Uncertain significance for Inborn genetic diseases. Last evaluated: 2026-04-24. Review status: criteria provided, single submitter. Criteria: Ambry Variant Classification Scheme 2023. Collection method: clinical testing. Allele origin: germline.
Comment: The p.G257R variant (also known as c.769G>C), located in coding exon 2 of the WT1 gene, results from a G to C substitution at nucleotide position 769. The amino acid change results in glycine to arginine at codon 257, an amino acid with dissimilar properties. This nucleotide position is highly conserved in available vertebrate species. This amino acid position is well conserved in available vertebrate species. In silico splice site analysis for this alteration is inconclusive. In addition, the in silico prediction for this alteration is inconclusive. Based on the available evidence, the clinical significance of this variant remains unclear.

Labcorp Genetics (formerly Invitae), Labcorp
Classification: Uncertain significance for Wilms tumor 1; Drash syndrome; 11p partial monosomy syndrome; Frasier syndrome. Last evaluated: 2024-12-12. Review status: criteria provided, single submitter. Criteria: Invitae Variant Classification Sherloc (09022015). Collection method: clinical testing. Allele origin: germline.
Comment: This sequence change replaces glycine, which is neutral and non-polar, with arginine, which is basic and polar, at codon 257 of the WT1 protein (p.Gly257Arg). This variant also falls at the last nucleotide of exon 2, which is part of the consensus splice site for this exon. This variant is not present in population databases (gnomAD no frequency). This variant has not been reported in the literature in individuals affected with WT1-related conditions. An algorithm developed to predict the effect of missense changes on protein structure and function (PolyPhen-2) suggests that this variant is likely to be disruptive. Variants that disrupt the consensus splice site are a relatively common cause of aberrant splicing (PMID: 17576681, 9536098). Algorithms developed to predict the effect of sequence changes on RNA splicing suggest that this variant may disrupt the consensus splice site. In summary, the available evidence is currently insufficient to determine the role of this variant in disease. Therefore, it has been classified as a Variant of Uncertain Significance.

Literature cited by the submitters: PubMed 17576681 (cited by Labcorp Genetics (formerly Invitae), Labcorp); PubMed 9536098 (cited by Labcorp Genetics (formerly Invitae), Labcorp).